The following is an entry in ClinVar:

NM_017514.5(PLXNA3):c.690C>T (p.Phe230=)

Gene: PLXNA3 (plexin A3; plus strand). Cytogenetic location: Xq28.
Variant type: single nucleotide variant.
Coding change: c.690C>T on transcript NM_017514.5 (MANE Select); coding-DNA position 690, C replaced by T.
Protein change: p.Phe230=; no amino-acid change (phenylalanine 230 retained).
Molecular consequence: synonymous variant.
Genome position (GRCh38, 1-based): chrX:154,461,194, C>T. VCF-style: chrX-154461194-C-T. GRCh37 (hg19) VCF-style: chrX-153689534-C-T.
Identifiers: ClinVar variation 3045242 (VCV003045242.2), dbSNP rs200804384, ClinGen allele CA10563785.

ClinVar aggregate classification (germline): Likely benign (0 of 4 stars; one submission).

Conditions:
PLXNA3-related disorder. Also called: PLXNA3-related condition.

Allele frequency attached by ClinVar (database versions not stated): gnomAD exomes 0.00013; TOPMed 0.00018; ExAC 0.00019; gnomAD 0.00020; 1000 Genomes Project 0.00026; 1000 Genomes Project 30x 0.00042.
gnomAD v4.1: 158 of 1,211,118 alleles (0.013%); highest among the groups gnomAD compares: Admixed American, 0.037%; no homozygotes.

Submission:

PreventionGenetics, part of Exact Sciences
Classification: Likely benign for PLXNA3-related condition. Last evaluated: 2021-09-01. Review status: no assertion criteria provided. Collection method: clinical testing. Allele origin: germline.
Comment: This variant is classified as likely benign based on ACMG/AMP sequence variant interpretation guidelines (Richards et al. 2015 PMID: 25741868, with internal and published modifications).